The following is an entry in ClinVar:

NM_024408.4(NOTCH2):c.2754T>C (p.Asn918=)

Gene: NOTCH2 (notch receptor 2; minus strand). Cytogenetic location: 1p12.
Variant type: single nucleotide variant.
Coding change: c.2754T>C on transcript NM_024408.4 (MANE Select); coding-DNA position 2754, T replaced by C.
Protein change: p.Asn918=; no amino-acid change (asparagine 918 retained).
Molecular consequence: synonymous variant.
Genome position (GRCh38, 1-based): chr1:119,941,753, A>G on the plus strand (T>C on the coding strand, the complement: NOTCH2 is on the minus strand). VCF-style: chr1-119941753-A-G. GRCh37 (hg19) VCF-style: chr1-120484376-A-G.
Other names: c.2754T>C, p.Asn918= (NM_001200001.2).
Identifiers: ClinVar variation 3346417 (VCV003346417.1).

ClinVar aggregate classification (germline): Likely benign (0 of 4 stars; one submission).

Conditions:
NOTCH2-related disorder. Also called: NOTCH2-related condition.

Submission:

PreventionGenetics, part of Exact Sciences
Classification: Likely benign for NOTCH2-related condition. Last evaluated: 2024-08-13. Review status: no assertion criteria provided. Collection method: clinical testing. Allele origin: germline.
Comment: This variant is classified as likely benign based on ACMG/AMP sequence variant interpretation guidelines (Richards et al. 2015 PMID: 25741868, with internal and published modifications).